The following is an entry in ClinVar:

ClinVar aggregate classification (germline): Uncertain significance. Review status: criteria provided, multiple submitters, no conflicts (2 of 4 stars). 5 submissions from 5 submitters: Uncertain significance (5). Last evaluated 2026-09-01.

Conditions:
Osteogenesis imperfecta (OI). Identifiers: Orphanet 666, MedGen C0029434, MeSH D010013, MONDO:0019019.
Hypophosphataemia or rickets.
Hypophosphatasia. Also called: Phosphoethanol-aminuria. Identifiers: Orphanet 436, MedGen C0020630, MeSH D007014, MONDO:0018570.

Allele frequency attached by ClinVar (database versions not stated): TOPMed 0.00002; ExAC 0.00004; gnomAD exomes 0.00004 and 0.00005.
gnomAD v4.1: 63 of 1,614,054 alleles (0.0039%); highest among the groups gnomAD compares: Admixed American, 0.0083%; no homozygotes.

Submissions (5):

Genomenon, Inc
Classification: Uncertain significance for Hypophosphatasia. Last evaluated: 2026-09-01. Review status: criteria provided, single submitter. Criteria: Genomenon Sequence Variant Interpretation Standards - Updated. Collection method: curation. Allele origin: germline. Affected: no.
Comment: ALPL p.Val304Met (c.910G>A) is a missense variant that changes the amino acid at codon 304 from Valine to Methionine. This variant has been reported in the published literature (PMID:32160374). It is absent or not present at a significant frequency in gnomAD. In conclusion, we classify ALPL p.Val304Met (c.910G>A) as a variant of uncertain significance.

Cambridge Genomics Laboratory, East Genomic Laboratory Hub, NHS Genomic Medicine Service
Classification: Uncertain significance for Hypophosphataemia or rickets. Last evaluated: 2026-03-05. Review status: criteria provided, single submitter. Criteria: ACGS Best Practice Guidelines for Variant Classification in Rare Disease 2020. Collection method: clinical testing. Allele origin: germline. Affected: yes.
Comment: PM2

Labcorp Genetics (formerly Invitae), Labcorp
Classification: Uncertain significance. Last evaluated: 2024-12-12. Review status: criteria provided, single submitter. Criteria: Invitae Variant Classification Sherloc (09022015). Collection method: clinical testing. Allele origin: germline.
Comment: This sequence change replaces valine, which is neutral and non-polar, with methionine, which is neutral and non-polar, at codon 304 of the ALPL protein (p.Val304Met). This variant is present in population databases (rs745704006, gnomAD 0.01%). This variant has not been reported in the literature in individuals affected with ALPL-related conditions. ClinVar contains an entry for this variant (Variation ID: 1702016). An algorithm developed to predict the effect of missense changes on protein structure and function outputs the following: PolyPhen-2: "Benign". The methionine amino acid residue is found in multiple mammalian species, which suggests that this missense change does not adversely affect protein function. In summary, the available evidence is currently insufficient to determine the role of this variant in disease. Therefore, it has been classified as a Variant of Uncertain Significance.

ARUP Laboratories, Molecular Genetics and Genomics, ARUP Laboratories
Classification: Uncertain significance. Last evaluated: 2024-10-29. Review status: criteria provided, single submitter. Criteria: ARUP Molecular Germline Variant Investigation Process 2024. Collection method: clinical testing. Allele origin: germline.
Comment: The ALPL c.910G>A; p.Val304Met variant (rs745704006), to our knowledge, is not reported in the medical literature but is reported in ClinVar (Variation ID: 1702016). This variant is found in the general population with an overall allele frequency of 0.005% (12/251,182 alleles) in the Genome Aggregation Database (v2.1.1). Computational analyses are uncertain whether this variant is neutral or deleterious (REVEL: 0.34). Due to limited information, the clinical significance of this variant is uncertain at this time.

Genome Diagnostics Laboratory, The Hospital for Sick Children
Classification: Uncertain significance for Osteogenesis imperfecta. Last evaluated: 2018-08-01. Review status: criteria provided, single submitter. Criteria: ACMG Guidelines, 2015. Collection method: clinical testing. Allele origin: germline.

Literature cited by the submitters: PubMed 32160374 (cited by Genomenon, Inc).

NM_000478.6(ALPL):c.910G>A (p.Val304Met)

Gene: ALPL (alkaline phosphatase, biomineralization associated; plus strand). Cytogenetic location: 1p36.12.
Variant type: single nucleotide variant.
Coding change: c.910G>A on transcript NM_000478.6 (MANE Select); coding-DNA position 910, G replaced by A.
Protein change: p.Val304Met; replaces valine 304 with methionine.
Molecular consequence: missense variant.
Genome position (GRCh38, 1-based): chr1:21,573,712, G>A. VCF-style: chr1-21573712-G-A. GRCh37 (hg19) VCF-style: chr1-21900205-G-A.
Other names: c.745G>A, p.Val249Met (NM_001127501.4); c.679G>A, p.Val227Met (NM_001177520.3); c.910G>A, p.Val304Met (NM_001369803.2, NM_001369804.2, NM_001369805.2); short protein forms V227M, V249M, V304M.
Identifiers: ClinVar variation 1702016 (VCV001702016.9), dbSNP rs745704006, ClinGen allele CA666676.
Genomic context (GRCh38, chr1:21,573,712, plus strand): 5'-GCGTCCTCCTCAGGTCTCTTCGAGCCAGGGGACATGCAGTACGAGCTGAACAGGAACAAC[G>A]TGACGGACCCGTCACTCTCCGAGATGGTGGTGGTGGCCATCCAGATCCTGCGGAAGAACC-3'
Protein context (NP_000469.3, residues 294-314): DMQYELNRNN[Val304Met]TDPSLSEMVV